The following is an entry in ClinVar:

ClinVar aggregate classification (germline): Benign/Likely benign. Review status: criteria provided, multiple submitters, no conflicts (2 of 4 stars). 3 submissions from 3 submitters: Benign (1); Likely benign (2). Last evaluated 2026-01-24.

Submissions (3):

Labcorp Genetics (formerly Invitae), Labcorp
Classification: Benign. Last evaluated: 2026-01-24. Review status: criteria provided, single submitter. Criteria: Invitae Variant Classification Sherloc (09022015). Collection method: clinical testing. Allele origin: germline.

CeGaT Center for Human Genetics Tuebingen
Classification: Likely benign. Last evaluated: 2025-05-01. Review status: criteria provided, single submitter. Criteria: CeGaT Center For Human Genetics Tuebingen Variant Classification Criteria Version 2. Collection method: clinical testing. Allele origin: germline. Affected: yes. Observed: 1 variant allele.
Comment: CD46: BS2

Blueprint Genetics
Classification: Likely benign. Last evaluated: 2024-11-26. Review status: criteria provided, single submitter. Criteria: ACMG Guidelines, 2015. Collection method: clinical testing. Allele origin: germline.

NM_172351.3(CD46):c.286+27dup

Gene: CD46 (CD46 molecule; plus strand). Cytogenetic location: 1q32.2.
Variant type: Duplication.
Coding change: c.286+27dup on transcript NM_172351.3 (MANE Select); 27 bases into the intron after coding-DNA position 286, one base duplicated (T; older notation c.286+27dupT).
Molecular consequence: intron variant.
Genome position (GRCh38, 1-based): chr1:207,757,229, T duplicated; the last of 10 consecutive T bases (chr1:207,757,220-207,757,229); duplicating any one gives the same sequence. VCF-style (leftmost placement, unchanged base first): chr1-207757219-C-CT. GRCh37 (hg19) VCF-style: chr1-207930564-C-CT.
Other names: c.286+27dup (NM_172352.3, NM_172353.3, NM_172350.3 and 8 more transcripts).
Identifiers: ClinVar variation 1167201 (VCV001167201.20), dbSNP rs371729129, ClinGen allele CA1371572.
Genomic context (GRCh38, chr1:207,757,219, plus strand): 5'-TCGGAATCATACATGGCTACCTGTCTCAGATGACGCCTGTTATAGTAAGTAAACAAACCT[C>CT]TTTTTTTTTTCTGCTTGCTCTAGAGATTTGCATACATTTTGGGGTACATATTCCACTACG-3'